The following is an entry in ClinVar:

NM_000814.6(GABRB3):c.878T>C (p.Leu293Pro)

Gene: GABRB3 (gamma-aminobutyric acid type A receptor subunit beta3; minus strand). Cytogenetic location: 15q12.
Variant type: single nucleotide variant.
Coding change: c.878T>C on transcript NM_000814.6 (MANE Select); coding-DNA position 878, T replaced by C.
Protein change: p.Leu293Pro; replaces leucine 293 with proline.
Molecular consequence: missense variant.
Genome position (GRCh38, 1-based): chr15:26,561,134, A>G on the plus strand (T>C on the coding strand, the complement: GABRB3 is on the minus strand). VCF-style: chr15-26561134-A-G. GRCh37 (hg19) VCF-style: chr15-26806281-A-G.
Other names: c.623T>C, p.Leu208Pro (NM_001191320.2, NM_001278631.2); c.665T>C, p.Leu222Pro (NM_001191321.3); c.878T>C, p.Leu293Pro (NM_021912.5); short protein forms L208P, L222P, L293P.
Identifiers: ClinVar variation 1056920 (VCV001056920.9), dbSNP rs2140680258, ClinGen allele CA391462268.

ClinVar aggregate classification (germline): Uncertain significance (1 of 4 stars; one submission).

Conditions:
Epilepsy, childhood absence, susceptibility to, 1. Also called: Epilepsy, childhood absence 1. Identifiers: Orphanet 64280, MedGen C1838604, MONDO:0020759, OMIM 600131.
Epilepsy, childhood absence, susceptibility to, 5. Identifiers: Orphanet 64280, MedGen C2677087, MONDO:0012843, OMIM 612269.

Submission:

Labcorp Genetics (formerly Invitae), Labcorp
Classification: Uncertain significance for Epilepsy, childhood absence, susceptibility to, 5; Epilepsy, childhood absence, susceptibility to, 1. Last evaluated: 2022-11-15. Review status: criteria provided, single submitter. Criteria: Invitae Variant Classification Sherloc (09022015). Collection method: clinical testing. Allele origin: germline.
Comment: In summary, the available evidence is currently insufficient to determine the role of this variant in disease. Therefore, it has been classified as a Variant of Uncertain Significance. Advanced modeling of protein sequence and biophysical properties (such as structural, functional, and spatial information, amino acid conservation, physicochemical variation, residue mobility, and thermodynamic stability) performed at Invitae indicates that this missense variant is expected to disrupt GABRB3 protein function. ClinVar contains an entry for this variant (Variation ID: 1056920). This variant has not been reported in the literature in individuals affected with GABRB3-related conditions. This variant is not present in population databases (gnomAD no frequency). This sequence change replaces leucine, which is neutral and non-polar, with proline, which is neutral and non-polar, at codon 293 of the GABRB3 protein (p.Leu293Pro).